The following is an entry in ClinVar:

ClinVar aggregate classification (germline): Uncertain significance. Review status: criteria provided, multiple submitters, no conflicts (2 of 4 stars). 5 submissions from 5 submitters: Uncertain significance (5). Last evaluated 2025-11-10.

Conditions:
Hereditary cancer-predisposing syndrome. Also called: Tumor predisposition; Neoplastic Syndromes, Hereditary; Hereditary Cancer Syndrome; Hereditary neoplastic syndrome. Identifiers: Orphanet 140162, MedGen C0027672, MeSH D009386, MONDO:0015356.
Fanconi anemia complementation group O. Also called: RAD51C-Related Fanconi Anemia. Identifiers: Orphanet 84, MedGen C3150653, MONDO:0013248, OMIM 613390.

Allele frequency attached by ClinVar (database versions not stated): gnomAD 0.00001; TOPMed 0.00001.
gnomAD v4.1: 6 of 1,614,058 alleles (0.00037%); highest among the groups gnomAD compares: Non-Finnish European, 0.000085%; no homozygotes.

Submissions (5):

Labcorp Genetics (formerly Invitae), Labcorp
Classification: Uncertain significance for Fanconi anemia complementation group O. Last evaluated: 2025-11-10. Review status: criteria provided, single submitter. Criteria: Invitae Variant Classification Sherloc (09022015). Collection method: clinical testing. Allele origin: germline.
Comment: This sequence change falls in intron 1 of the RAD51C gene. It does not directly change the encoded amino acid sequence of the RAD51C protein. It affects a nucleotide within the consensus splice site. This variant is not present in population databases (gnomAD no frequency). This variant has not been reported in the literature in individuals affected with RAD51C-related conditions. ClinVar contains an entry for this variant (Variation ID: 478777). Variants that disrupt the consensus splice site are a relatively common cause of aberrant splicing (PMID: 17576681, 9536098). RNA analysis provides insufficient evidence to determine the effect of this variant on RAD51C splicing (internal data). In summary, the available evidence is currently insufficient to determine the role of this variant in disease. Therefore, it has been classified as a Variant of Uncertain Significance.

Quest Diagnostics Nichols Institute San Juan Capistrano
Classification: Uncertain significance. Last evaluated: 2025-02-21. Review status: criteria provided, single submitter. Criteria: Quest Diagnostics criteria. Collection method: clinical testing. Allele origin: unknown.
Comment: The RAD51C c.145+5C>A variant has not been reported in individuals with RAD51C-related conditions in the published literature. The frequency of this variant in the general population (Genome Aggregation Database) is uninformative in the assessment of its pathogenicity. Analysis of this variant using software algorithms for the prediction of the effect of nucleotide changes on splicing yielded predictions that this variant does not affect RAD51C mRNA splicing. Based on the available information, we are unable to determine the clinical significance of this variant.

Ambry Genetics
Classification: Uncertain significance for Hereditary cancer-predisposing syndrome. Last evaluated: 2024-10-15. Review status: criteria provided, single submitter. Criteria: Ambry Variant Classification Scheme 2023. Collection method: clinical testing. Allele origin: germline.
Comment: The c.145+5C>A intronic variant results from a C to A substitution 5 nucleotides after coding exon 1 in the RAD51C gene. This nucleotide position is not well conserved in available vertebrate species. In silico splice site analysis predicts that this alteration will not have any significant effect on splicing; however, direct evidence is insufficient at this time (Ambry internal data). Based on the available evidence, the clinical significance of this variant remains unclear.

Color Diagnostics, LLC DBA Color Health
Classification: Uncertain significance for Hereditary cancer-predisposing syndrome. Last evaluated: 2024-07-01. Review status: criteria provided, single submitter. Criteria: ACMG Guidelines, 2015. Collection method: clinical testing. Allele origin: germline.
Comment: This variant causes a C to A nucleotide substitution at the +5 position of intron 1 of the RAD51C gene. Splice site prediction tools suggest that this variant may not impact RNA splicing. To our knowledge, RNA studies have not been reported for this variant. This variant has not been reported in individuals affected with RAD51C-related disorders in the literature. This variant has not been identified in the general population by the Genome Aggregation Database (gnomAD). The available evidence is insufficient to determine the role of this variant in disease conclusively. Therefore, this variant is classified as a Variant of Uncertain Significance.

Sema4
Classification: Uncertain significance for Hereditary cancer-predisposing syndrome. Last evaluated: 2021-09-13. Review status: criteria provided, single submitter. Criteria: Sema4 Curation Guidelines. Collection method: curation. Allele origin: germline.
Comment: To the best of our knowledge, the RAD51C c.145+5C>A variant has not been reported in the literature in individuals with RAD51C-related disease. It was not observed in the large and broad cohorts of the Genome Aggregation Database. The variant has been reported in ClinVar (Variation ID 478777). In silico tools suggest that the variant does not impact splicing, though these predictions have not been confirmed by functional studies. The evidence is insufficient to meet ACMG/AMP criteria for classifying the variant as benign or pathogenic. Thus, the clinical significance of this variant is currently uncertain.

Literature cited by the submitters: PubMed 17576681 (cited by Labcorp Genetics (formerly Invitae), Labcorp); PubMed 9536098 (cited by Labcorp Genetics (formerly Invitae), Labcorp).

NM_058216.3(RAD51C):c.145+5C>A

Genes: RAD51C (RAD51 paralog C; plus strand), LOC130061310 (ATAC-STARR-seq lymphoblastoid active region 12491; plus strand). Cytogenetic location: 17q22.
Variant type: single nucleotide variant.
Coding change: c.145+5C>A on transcript NM_058216.3 (MANE Select); 5 bases into the intron after coding-DNA position 145, C replaced by A.
Molecular consequence: intron variant.
Genome position (GRCh38, 1-based): chr17:58,692,793, C>A. VCF-style: chr17-58692793-C-A. GRCh37 (hg19) VCF-style: chr17-56770154-C-A.
Other names: c.145+5C>A (NM_002876.4).
Identifiers: ClinVar variation 478777 (VCV000478777.23), dbSNP rs876660577, ClinGen allele CA292047195.
Genomic context (GRCh38, chr17:58,692,793, plus strand): 5'-GGGGTTCCAGACTGCTGAGGAACTCCTAGAGGTGAAACCCTCCGAGCTTAGCAAAGGTAA[C>A]GACTCCTGATGGCAAGCTGAGGCACACCGGCCGCCGTCAGCGCCGCCTCAGTCTTCGTTC-3'